The following is an entry in ClinVar:

ClinVar aggregate classification (germline): Uncertain significance. Review status: criteria provided, multiple submitters, no conflicts (2 of 4 stars). 3 submissions from 3 submitters: Uncertain significance (3). Last evaluated 2025-10-15.

Conditions:
Hereditary cancer-predisposing syndrome. Also called: Hereditary neoplastic syndrome; Neoplastic Syndromes, Hereditary; Hereditary Cancer Syndrome; Tumor predisposition. Identifiers: Orphanet 140162, MedGen C0027672, MeSH D009386, MONDO:0015356.
Hyperparathyroidism 1 (HRPT1). Also called: HYPERPARATHYROIDISM, FAMILIAL ISOLATED PRIMARY. Identifiers: Orphanet 99879, MedGen C1840402, MONDO:0007767, OMIM 145000.
Parathyroid carcinoma (PRTC). Also called: Parathyroid gland carcinoma; CDC73-Related Parathyroid Carcinoma. Identifiers: Orphanet 143, MedGen C0687150, MONDO:0012004, OMIM 608266, HP:0006780.

Allele frequency attached by ClinVar (database versions not stated): gnomAD exomes below 0.00001 and 0.00001; TOPMed below 0.00001; gnomAD 0.00001.
gnomAD v4.1: 4 of 1,613,632 alleles (0.00025%); highest among the groups gnomAD compares: Admixed American, 0.0033%; no homozygotes.

Submissions (3):

Labcorp Genetics (formerly Invitae), Labcorp
Classification: Uncertain significance for Parathyroid carcinoma. Last evaluated: 2025-10-15. Review status: criteria provided, single submitter. Criteria: Invitae Variant Classification Sherloc (09022015). Collection method: clinical testing. Allele origin: germline.
Comment: This sequence change replaces isoleucine, which is neutral and non-polar, with valine, which is neutral and non-polar, at codon 419 of the CDC73 protein (p.Ile419Val). This variant is present in population databases (no rsID available, gnomAD 0.004%). This variant has not been reported in the literature in individuals affected with CDC73-related conditions. ClinVar contains an entry for this variant (Variation ID: 965212). An algorithm developed to predict the effect of missense changes on protein structure and function outputs the following: PolyPhen-2: "Benign". The valine amino acid residue is found in multiple mammalian species, which suggests that this missense change does not adversely affect protein function. In summary, the available evidence is currently insufficient to determine the role of this variant in disease. Therefore, it has been classified as a Variant of Uncertain Significance.

Ambry Genetics
Classification: Uncertain significance for Hereditary cancer-predisposing syndrome. Last evaluated: 2025-10-01. Review status: criteria provided, single submitter. Criteria: Ambry Variant Classification Scheme 2023. Collection method: clinical testing. Allele origin: germline.
Comment: The p.I419V variant (also known as c.1255A>G), located in coding exon 14 of the CDC73 gene, results from an A to G substitution at nucleotide position 1255. The isoleucine at codon 419 is replaced by valine, an amino acid with highly similar properties. This amino acid position is not well conserved in available vertebrate species. In addition, this alteration is predicted to be tolerated by in silico analysis. Since supporting evidence is limited at this time, the clinical significance of this alteration remains unclear.

Baylor Genetics
Classification: Uncertain significance for Hyperparathyroidism 1. Last evaluated: 2024-02-11. Review status: criteria provided, single submitter. Criteria: ACMG Guidelines, 2015. Collection method: clinical testing. Allele origin: unknown.

NM_024529.5(CDC73):c.1255A>G (p.Ile419Val)

Gene: CDC73 (cell division cycle 73; plus strand). Cytogenetic location: 1q31.2.
Variant type: single nucleotide variant.
Coding change: c.1255A>G on transcript NM_024529.5 (MANE Select); coding-DNA position 1255, A replaced by G.
Protein change: p.Ile419Val; replaces isoleucine 419 with valine.
Molecular consequence: missense variant.
Genome position (GRCh38, 1-based): chr1:193,233,093, A>G. VCF-style: chr1-193233093-A-G. GRCh37 (hg19) VCF-style: chr1-193202223-A-G.
Other names: short protein forms I419V.
Identifiers: ClinVar variation 965212 (VCV000965212.14), dbSNP rs1198867364, ClinGen allele CA344077937.